The following is an entry in ClinVar:

NM_000059.4(BRCA2):c.8606_8607del (p.Ile2869fs)

Gene: BRCA2 (BRCA2 DNA repair associated; plus strand). Cytogenetic location: 13q13.1.
Variant type: Deletion.
Coding change: c.8606_8607del on transcript NM_000059.4 (MANE Select); coding-DNA positions 8606 to 8607, 2 bases deleted (TT; older notation c.8606_8607delTT).
Protein change: p.Ile2869fs; shifts the reading frame from isoleucine 2869.
Molecular consequence: frameshift variant.
Genome position (GRCh38, 1-based): chr13:32,371,074-32,371,075, TT deleted. VCF-style (leftmost placement, unchanged base first): chr13-32371073-ATT-A. GRCh37 (hg19) VCF-style: chr13-32945210-ATT-A.
Other names: c.8510_8511delTT, p.Ile2837Thrfs (NM_001406719.1); c.8606_8607delTT, p.Ile2869Thrfs (NM_001406720.1); c.3674_3675delTT, p.Ile1225Thrfs (NM_001406721.1); c.2189_2190delTT, p.Ile730Thrfs (NM_001406722.1); short protein forms I2869fs.
Identifiers: ClinVar variation 2015679 (VCV002015679.6), dbSNP rs2548550872, ClinGen allele CA2580087403.

ClinVar aggregate classification (germline): Pathogenic. Review status: criteria provided, multiple submitters, no conflicts (2 of 4 stars). 2 submissions from 2 submitters: Pathogenic (2). Last evaluated 2025-02-23.

Conditions:
Breast-ovarian cancer, familial, susceptibility to, 2 (BROVCA2). Also called: BRCA2 Hereditary Breast and Ovarian Cancer. Identifiers: Orphanet 145, MedGen C2675520, MONDO:0012933, OMIM 612555. Disease mechanism: loss of function.
Hereditary breast ovarian cancer syndrome. Also called: Hereditary breast and ovarian cancer syndrome (HBOC); Hereditary breast and ovarian cancer; BRCA1- and BRCA2-Associated Hereditary Breast and Ovarian Cancer; Hereditary breast and ovarian cancer syndrome; Breast and ovarian cancer; Hereditary breast and/or ovarian cancer syndrome. Identifiers: Orphanet 145, MedGen C0677776, MeSH D061325, MONDO:0003582. Disease mechanism: loss of function.

Submissions (2):

Labcorp Genetics (formerly Invitae), Labcorp
Classification: Pathogenic for Hereditary breast ovarian cancer syndrome. Last evaluated: 2025-02-23. Review status: criteria provided, single submitter. Criteria: Invitae Variant Classification Sherloc (09022015). Collection method: clinical testing. Allele origin: germline.
Comment: This sequence change creates a premature translational stop signal (p.Ile2869Thrfs*5) in the BRCA2 gene. It is expected to result in an absent or disrupted protein product. Loss-of-function variants in BRCA2 are known to be pathogenic (PMID: 20104584). This variant is not present in population databases (gnomAD no frequency). This variant has not been reported in the literature in individuals affected with BRCA2-related conditions. ClinVar contains an entry for this variant (Variation ID: 2015679). For these reasons, this variant has been classified as Pathogenic.

Myriad Genetics, Inc.
Classification: Pathogenic for Breast-ovarian cancer, familial, susceptibility to, 2. Last evaluated: 2023-06-13. Review status: criteria provided, single submitter. Criteria: Myriad Autosomal Dominant, Autosomal Recessive and X-Linked Classification Criteria (2023). Collection method: clinical testing. Allele origin: unknown.
Comment: This variant is considered pathogenic. This variant creates a frameshift predicted to result in premature protein truncation.

Literature cited by the submitters: PubMed 20104584 (cited by Labcorp Genetics (formerly Invitae), Labcorp).